The following is an entry in ClinVar:

ClinVar aggregate classification (germline): Uncertain significance. Review status: criteria provided, multiple submitters, no conflicts (2 of 4 stars). 2 submissions from 2 submitters: Uncertain significance (2). Last evaluated 2024-10-08.

Conditions:
Inborn genetic diseases. Identifiers: MedGen C0950123, MeSH D030342.

Allele frequency attached by ClinVar (database versions not stated): ExAC 0.00001.
gnomAD v4.1: 8 of 1,601,714 alleles (0.0005%); highest among the groups gnomAD compares: Admixed American, 0.0051%; no homozygotes.

Submissions (2):

Ambry Genetics
Classification: Uncertain significance for Inborn genetic diseases. Last evaluated: 2024-10-08. Review status: criteria provided, single submitter. Criteria: Ambry Variant Classification Scheme 2023. Collection method: clinical testing. Allele origin: germline.

Labcorp Genetics (formerly Invitae), Labcorp
Classification: Uncertain significance. Last evaluated: 2023-06-23. Review status: criteria provided, single submitter. Criteria: Invitae Variant Classification Sherloc (09022015). Collection method: clinical testing. Allele origin: germline.
Comment: In summary, the available evidence is currently insufficient to determine the role of this variant in disease. Therefore, it has been classified as a Variant of Uncertain Significance. Advanced modeling of protein sequence and biophysical properties (such as structural, functional, and spatial information, amino acid conservation, physicochemical variation, residue mobility, and thermodynamic stability) performed at Invitae indicates that this missense variant is not expected to disrupt TUBGCP4 protein function. ClinVar contains an entry for this variant (Variation ID: 1990708). This variant has not been reported in the literature in individuals affected with TUBGCP4-related conditions. This variant is present in population databases (rs767859698, gnomAD 0.006%). This sequence change replaces arginine, which is basic and polar, with histidine, which is basic and polar, at codon 313 of the TUBGCP4 protein (p.Arg313His).

NM_014444.5(TUBGCP4):c.938G>A (p.Arg313His)

Gene: TUBGCP4 (tubulin gamma complex component 4; plus strand). Cytogenetic location: 15q15.3.
Variant type: single nucleotide variant.
Coding change: c.938G>A on transcript NM_014444.5 (MANE Select); coding-DNA position 938, G replaced by A.
Protein change: p.Arg313His; replaces arginine 313 with histidine.
Molecular consequence: missense variant.
Genome position (GRCh38, 1-based): chr15:43,386,254, G>A. VCF-style: chr15-43386254-G-A. GRCh37 (hg19) VCF-style: chr15-43678452-G-A.
Other names: c.938G>A, p.Arg313His (NM_001286414.3); c.938G>A (NM_014444.2); short protein forms R313H.
Identifiers: ClinVar variation 1990708 (VCV001990708.5), dbSNP rs767859698, ClinGen allele CA7523918.